The following is an entry in ClinVar:

ClinVar aggregate classification (germline): Uncertain significance (1 of 4 stars; one submission).

Conditions:
Catecholaminergic polymorphic ventricular tachycardia 1. Also called: VENTRICULAR TACHYCARDIA, STRESS-INDUCED POLYMORPHIC 1; VENTRICULAR TACHYCARDIA, CATECHOLAMINERGIC POLYMORPHIC, 1, WITH OR WITHOUT ATRIAL DYSFUNCTION AND/OR DILATED CARDIOMYOPATHY; RYR2-Related Catecholaminergic Polymorphic Ventricular Tachycardia. Identifiers: Orphanet 3286, MedGen C1631597, MONDO:0011484, OMIM 604772.

Submission:

Labcorp Genetics (formerly Invitae), Labcorp
Classification: Uncertain significance for Catecholaminergic polymorphic ventricular tachycardia 1. Last evaluated: 2024-06-28. Review status: criteria provided, single submitter. Criteria: Invitae Variant Classification Sherloc (09022015). Collection method: clinical testing. Allele origin: germline.
Comment: This sequence change affects a donor splice site in intron 63 of the RYR2 gene. It is expected to disrupt RNA splicing. Variants that disrupt the donor or acceptor splice site typically lead to a loss of protein function (PMID: 16199547), however the current clinical and genetic evidence is not sufficient to establish whether loss-of-function variants in RYR2 cause disease. This variant is not present in population databases (gnomAD no frequency). This variant has not been reported in the literature in individuals affected with RYR2-related conditions. Algorithms developed to predict the effect of sequence changes on RNA splicing suggest that this variant may disrupt the consensus splice site. In summary, the available evidence is currently insufficient to determine the role of this variant in disease. Therefore, it has been classified as a Variant of Uncertain Significance.

Literature cited by the submitters: PubMed 16199547.

NM_001035.3(RYR2):c.9067+1G>C

Gene: RYR2 (ryanodine receptor 2; plus strand). Cytogenetic location: 1q43.
Variant type: single nucleotide variant.
Coding change: c.9067+1G>C on transcript NM_001035.3 (MANE Select); the canonical splice donor site of the intron after coding-DNA position 9067, G replaced by C.
Molecular consequence: splice donor variant.
Genome position (GRCh38, 1-based): chr1:237,687,505, G>C. VCF-style: chr1-237687505-G-C. GRCh37 (hg19) VCF-style: chr1-237850805-G-C.
Identifiers: ClinVar variation 3694332 (VCV003694332.2).